The following is an entry in ClinVar:

NM_182961.4(SYNE1):c.14833A>C (p.Ser4945Arg)

Gene: SYNE1 (spectrin repeat containing nuclear envelope protein 1; minus strand). Cytogenetic location: 6q25.2.
Variant type: single nucleotide variant.
Coding change: c.14833A>C on transcript NM_182961.4 (MANE Select); coding-DNA position 14833, A replaced by C.
Protein change: p.Ser4945Arg; replaces serine 4945 with arginine.
Molecular consequence: missense variant.
Genome position (GRCh38, 1-based): chr6:152,329,852, T>G on the plus strand (A>C on the coding strand, the complement: SYNE1 is on the minus strand). VCF-style: chr6-152329852-T-G. GRCh37 (hg19) VCF-style: chr6-152650987-T-G.
Other names: c.14620A>C, p.Ser4874Arg (NM_033071.5); short protein forms S4874R, S4945R.
Identifiers: ClinVar variation 1461328 (VCV001461328.8), dbSNP rs2096203231, ClinGen allele CA366096294.

ClinVar aggregate classification (germline): Uncertain significance (1 of 4 stars; one submission).

Conditions:
Autosomal recessive ataxia, Beauce type. Also called: SYNE1-Related Autosomal Recessive Cerebellar Ataxia; Spinocerebellar ataxia, autosomal recessive 8; ATAXIA, RECESSIVE, OF BEAUCE; SYNE1 Deficiency. Identifiers: Orphanet 88644, MedGen C1853116, MONDO:0012549, OMIM 610743.
Emery-Dreifuss muscular dystrophy 4, autosomal dominant (EDMD4). Also called: EMERY-DREIFUSS MUSCULAR DYSTROPHY 4 WITH VARIABLE FEATURES. Identifiers: Orphanet 261, MedGen C2751807, MONDO:0013071, OMIM 612998.

Allele frequency attached by ClinVar (database versions not stated): TOPMed 0.00001; gnomAD 0.00001.
gnomAD v4.1: 1 of 1,614,078 alleles (0.000062%); highest among the groups gnomAD compares: Admixed American, 0.0017%; no homozygotes.

Submission:

Labcorp Genetics (formerly Invitae), Labcorp
Classification: Uncertain significance for Emery-Dreifuss muscular dystrophy 4, autosomal dominant; Autosomal recessive ataxia, Beauce type. Last evaluated: 2025-05-27. Review status: criteria provided, single submitter. Criteria: Invitae Variant Classification Sherloc (09022015). Collection method: clinical testing. Allele origin: germline.
Comment: This sequence change replaces serine, which is neutral and polar, with arginine, which is basic and polar, at codon 4874 of the SYNE1 protein (p.Ser4874Arg). This variant is not present in population databases (gnomAD no frequency). This variant has not been reported in the literature in individuals affected with SYNE1-related conditions. ClinVar contains an entry for this variant (Variation ID: 1461328). An algorithm developed to predict the effect of missense changes on protein structure and function (PolyPhen-2) suggests that this variant is likely to be disruptive. In summary, the available evidence is currently insufficient to determine the role of this variant in disease. Therefore, it has been classified as a Variant of Uncertain Significance.